The following is an entry in ClinVar:

NM_022168.4(IFIH1):c.1682T>C (p.Ile561Thr)

Gene: IFIH1 (interferon induced with helicase C domain 1; minus strand). Cytogenetic location: 2q24.2.
Variant type: single nucleotide variant.
Coding change: c.1682T>C on transcript NM_022168.4 (MANE Select); coding-DNA position 1682, T replaced by C.
Protein change: p.Ile561Thr; replaces isoleucine 561 with threonine.
Molecular consequence: missense variant.
Genome position (GRCh38, 1-based): chr2:162,278,288, A>G on the plus strand (T>C on the coding strand, the complement: IFIH1 is on the minus strand). VCF-style: chr2-162278288-A-G. GRCh37 (hg19) VCF-style: chr2-163134798-A-G.
Other names: short protein forms I561T.
Identifiers: ClinVar variation 1691045 (VCV001691045.2), dbSNP rs2105198660, ClinGen allele CA349000232.

ClinVar aggregate classification (germline): Uncertain significance (1 of 4 stars; one submission).

Allele frequency attached by ClinVar (database versions not stated): gnomAD exomes below 0.00001.
gnomAD v4.1: 1 of 1,503,014 alleles (0.000067%); highest among the groups gnomAD compares: Non-Finnish European, 0.000092%; no homozygotes.

Submission:

Laboratorio de Genetica e Diagnostico Molecular, Hospital Israelita Albert Einstein
Classification: Uncertain significance. Last evaluated: 2021-09-03. Review status: criteria provided, single submitter. Criteria: ACMG Guidelines, 2015. Collection method: clinical testing. Allele origin: germline. Affected: yes.
Comment: ACMG classification criteria: PM2